The following is an entry in ClinVar:

NM_000918.4(P4HB):c.801C>G (p.Asp267Glu)

Gene: P4HB (prolyl 4-hydroxylase subunit beta; minus strand). Cytogenetic location: 17q25.3.
Variant type: single nucleotide variant.
Coding change: c.801C>G on transcript NM_000918.4 (MANE Select); coding-DNA position 801, C replaced by G.
Protein change: p.Asp267Glu; replaces aspartic acid 267 with glutamic acid.
Molecular consequence: missense variant.
Genome position (GRCh38, 1-based): chr17:81,847,001, G>C on the plus strand (C>G on the coding strand, the complement: P4HB is on the minus strand). VCF-style: chr17-81847001-G-C. GRCh37 (hg19) VCF-style: chr17-79804877-G-C.
Other names: short protein forms D267E.
Identifiers: ClinVar variation 3251657 (VCV003251657.1), dbSNP rs769222792.

ClinVar aggregate classification (germline): Uncertain significance (1 of 4 stars; one submission).

Allele frequency attached by ClinVar (database versions not stated): gnomAD exomes below 0.00001; ExAC 0.00001.
gnomAD v4.1: 1 of 1,614,106 alleles (0.000062%); highest among the groups gnomAD compares: Non-Finnish European, 0.000085%; no homozygotes.

Submission:

Women's Health and Genetics/Laboratory Corporation of America, LabCorp
Classification: Uncertain significance. Last evaluated: 2024-04-30. Review status: criteria provided, single submitter. Criteria: LabCorp Variant Classification Summary - May 2015. Collection method: clinical testing. Allele origin: germline.
Comment: Variant summary: P4HB c.801C>G (p.Asp267Glu) results in a conservative amino acid change in the encoded protein sequence. Four of five in-silico tools predict a benign effect of the variant on protein function. The variant allele was found at a frequency of 4e-06 in 251486 control chromosomes. The available data on variant occurrences in the general population are insufficient to allow any conclusion about variant significance. To our knowledge, no occurrence of c.801C>G in individuals affected with Cole-Carpenter Syndrome 1 and no experimental evidence demonstrating its impact on protein function have been reported. The variant was observed as a de-novo variant in at-least one individual affected with features of Cole-Carpenter Syndrome 1 internally. No submitters have cited clinical-significance assessments for this variant to ClinVar. Based on the evidence outlined above, the variant was classified as VUS-possibly pathogenic.